The following is an entry in ClinVar:

NM_006005.3(WFS1):c.1838G>A (p.Trp613Ter)

Gene: WFS1 (wolframin ER transmembrane glycoprotein; plus strand). Cytogenetic location: 4p16.1.
Variant type: single nucleotide variant.
Coding change: c.1838G>A on transcript NM_006005.3 (MANE Select); coding-DNA position 1838, G replaced by A.
Protein change: p.Trp613Ter; replaces tryptophan 613 with a stop codon.
Molecular consequence: nonsense.
Genome position (GRCh38, 1-based): chr4:6,301,633, G>A. VCF-style: chr4-6301633-G-A. GRCh37 (hg19) VCF-style: chr4-6303360-G-A.
Other names: NG_011700.1:g.36784G>A; NP_005996.2:p.(Trp613Ter); c.1838G>A, p.Trp613Ter (NM_001145853.1); short protein forms W613*.
Identifiers: ClinVar variation 2576979 (VCV002576979.2), dbSNP rs762467865, ClinGen allele CA2839515.

ClinVar aggregate classification (germline): Pathogenic (1 of 4 stars; one submission).

Conditions:
Wolfram syndrome 1 (WFS1). Identifiers: Orphanet 3463, MedGen C4551693, MONDO:0009101, OMIM 222300.

Allele frequency attached by ClinVar (database versions not stated): gnomAD exomes below 0.00001; ExAC 0.00002.
gnomAD v4.1: 5 of 1,614,104 alleles (0.00031%); highest among the groups gnomAD compares: South Asian, 0.0033%; no homozygotes.

Submission:

Department Of Endocrinology, Sanjay Gandhi Postgraduate Institute Of Medical Sciences
Classification: Pathogenic for Wolfram syndrome 1. Last evaluated: 2023-08-15. Review status: criteria provided, single submitter. Criteria: ACMG Guidelines, 2015. Collection method: clinical testing. Allele origin: biparental. Inheritance: Autosomal recessive inheritance. Affected: yes. Observed: 1 homozygote.
Comment: Homozygous nonsense variation in exon 8 of the WFS1 gene (chr4:g.6301633G>A) that results in a stop codon and premature truncation of the protein at codon 613. The observed variation has previously been reported in patients affected with Wolfram syndrome [PMID: 26025012]. This variant has not been reported in the 1000 genomes and gnomAD databases. The in-silico prediction of the variant is damaging by MuationTaster2. The reference codon is conserved across species. PVS1, PM2, PP3, PP5

Literature cited by the submitters: PubMed 15277431; PubMed 26025012.